The following is an entry in ClinVar:

ClinVar aggregate classification (germline): Likely pathogenic (1 of 4 stars; one submission).

Conditions:
Intellectual developmental disorder with speech delay and axonal peripheral neuropathy. Identifiers: MedGen C5436813, MONDO:0030849, OMIM 619099.

Allele frequency attached by ClinVar (database versions not stated): gnomAD exomes below 0.00001.
gnomAD v4.1: 1 of 1,610,570 alleles (0.000062%); highest among the groups gnomAD compares: Non-Finnish European, 0.000085%; no homozygotes.

Submission:

Greenwood Genetic Center Diagnostic Laboratories, Greenwood Genetic Center
Classification: Likely pathogenic for Intellectual developmental disorder with speech delay and axonal peripheral neuropathy. Last evaluated: 2021-05-06. Review status: criteria provided, single submitter. Criteria: ACMG Guidelines, 2015. Collection method: clinical testing. Allele origin: germline. Affected: yes.
Comment: PVS1, PM2

NM_004713.6(NEMF):c.2096-2A>G

Gene: NEMF (nuclear export mediator factor; minus strand). Cytogenetic location: 14q21.3.
Variant type: single nucleotide variant.
Coding change: c.2096-2A>G on transcript NM_004713.6 (MANE Select); the canonical splice acceptor site of the intron before coding-DNA position 2096, A replaced by G.
Molecular consequence: splice acceptor variant.
Genome position (GRCh38, 1-based): chr14:49,800,698, T>C on the plus strand (A>G on the coding strand, the complement: NEMF is on the minus strand). VCF-style: chr14-49800698-T-C. GRCh37 (hg19) VCF-style: chr14-50267416-T-C.
Other names: c.2033-2A>G (NM_001301732.3).
Identifiers: ClinVar variation 1334763 (VCV001334763.4), dbSNP rs2139857246, ClinGen allele CA389619325.